The following is an entry in ClinVar:

NM_001378454.1(ALMS1):c.9701del (p.Asn3234fs)

Gene: ALMS1 (ALMS1 centrosome and basal body associated protein; plus strand). Cytogenetic location: 2p13.1.
Variant type: Deletion.
Coding change: c.9701del on transcript NM_001378454.1 (MANE Select); coding-DNA position 9701, one base deleted (A; older notation c.9701delA).
Protein change: p.Asn3234fs; shifts the reading frame from asparagine 3234.
Molecular consequence: frameshift variant.
Genome position (GRCh38, 1-based): chr2:73,519,936, A deleted; the last of 2 consecutive A bases (chr2:73,519,935-73,519,936); deleting either gives the same sequence. VCF-style (leftmost placement, unchanged base first): chr2-73519934-TA-T. GRCh37 (hg19) VCF-style: chr2-73747061-TA-T.
Other names: c.9704del, p.Asn3235fs (NM_015120.4); short protein forms N3234fs, N3235fs.
Identifiers: ClinVar variation 1075460 (VCV001075460.7), dbSNP rs1273296127, ClinGen allele CA892828474.

ClinVar aggregate classification (germline): Pathogenic (1 of 4 stars; one submission).

Conditions:
Alstrom syndrome (ALMS). Identifiers: Orphanet 64, MedGen C0268425, MONDO:0008763, OMIM 203800.

Submission:

Labcorp Genetics (formerly Invitae), Labcorp
Classification: Pathogenic for Alstrom syndrome. Last evaluated: 2022-01-19. Review status: criteria provided, single submitter. Criteria: Invitae Variant Classification Sherloc (09022015). Collection method: clinical testing. Allele origin: germline.
Comment: This variant is not present in population databases (gnomAD no frequency). For these reasons, this variant has been classified as Pathogenic. ClinVar contains an entry for this variant (Variation ID: 1075460). This variant has not been reported in the literature in individuals affected with ALMS1-related conditions. This sequence change creates a premature translational stop signal (p.Asn3235Thrfs*49) in the ALMS1 gene. It is expected to result in an absent or disrupted protein product. Loss-of-function variants in ALMS1 are known to be pathogenic (PMID: 17594715).

Literature cited by the submitters: PubMed 17594715.